The following is an entry in ClinVar:

NM_015386.3(COG4):c.539A>G (p.Lys180Arg)

Gene: COG4 (component of oligomeric golgi complex 4; minus strand). Cytogenetic location: 16q22.1.
Variant type: single nucleotide variant.
Coding change: c.539A>G on transcript NM_015386.3 (MANE Select); coding-DNA position 539, A replaced by G.
Protein change: p.Lys180Arg; replaces lysine 180 with arginine.
Molecular consequence: missense variant. On other transcripts: non-coding transcript variant (1).
Genome position (GRCh38, 1-based): chr16:70,514,340, T>C on the plus strand (A>G on the coding strand, the complement: COG4 is on the minus strand). VCF-style: chr16-70514340-T-C. GRCh37 (hg19) VCF-style: chr16-70548243-T-C.
Other names: c.527A>G, p.Lys176Arg (NM_001195139.2); c.113A>G, p.Lys38Arg (NM_001365426.1); short protein forms K180R, K38R, K176R.
Identifiers: ClinVar variation 582178 (VCV000582178.39), dbSNP rs138693104, ClinGen allele CA8144660.

ClinVar aggregate classification (germline): Conflicting classifications of pathogenicity. Review status: criteria provided, conflicting classifications (1 of 4 stars). 5 submissions from 5 submitters: Uncertain significance (3); Likely benign (2). Last evaluated 2026-07-27.

Conditions:
Inborn genetic diseases. Identifiers: MedGen C0950123, MeSH D030342.
COG4-congenital disorder of glycosylation. Also called: CDG IIj; CONGENITAL DISORDER OF GLYCOSYLATION, TYPE IIj; COG4-CDG. Identifiers: Orphanet 263501, MedGen C4303552, MONDO:0013281, OMIM 613489.
Microcephalic osteodysplastic dysplasia, Saul-Wilson type. Also called: Saul-Wilson Syndrome; MICROCEPHALIC OSTEODYSPLASTIC DYSPLASIA. Identifiers: Orphanet 85172, MedGen C4509877, MONDO:0019407, OMIM 618150.

Allele frequency attached by ClinVar (database versions not stated): ESP Exome Variant Server 0.00031; gnomAD 0.00034 and 0.00036; ExAC 0.00042; TOPMed 0.00043; gnomAD exomes 0.00046 and 0.00071.
gnomAD v4.1: 1,072 of 1,614,060 alleles (0.066%); highest among the groups gnomAD compares: Non-Finnish European, 0.084%; 1 homozygote.

Submissions (5):

Ambry Genetics
Classification: Likely benign for Inborn genetic diseases. Last evaluated: 2026-07-27. Review status: criteria provided, single submitter. Criteria: Ambry Variant Classification Scheme 2023. Collection method: clinical testing. Allele origin: germline.

Labcorp Genetics (formerly Invitae), Labcorp
Classification: Uncertain significance for COG4-congenital disorder of glycosylation. Last evaluated: 2024-04-24. Review status: criteria provided, single submitter. Criteria: Invitae Variant Classification Sherloc (09022015). Collection method: clinical testing. Allele origin: germline.
Comment: This sequence change replaces lysine, which is basic and polar, with arginine, which is basic and polar, at codon 180 of the COG4 protein (p.Lys180Arg). This variant is present in population databases (rs138693104, gnomAD 0.08%), and has an allele count higher than expected for a pathogenic variant. This variant has not been reported in the literature in individuals affected with COG4-related conditions. ClinVar contains an entry for this variant (Variation ID: 582178). Advanced modeling of protein sequence and biophysical properties (such as structural, functional, and spatial information, amino acid conservation, physicochemical variation, residue mobility, and thermodynamic stability) performed at Invitae indicates that this missense variant is not expected to disrupt COG4 protein function with a negative predictive value of 80%. In summary, the available evidence is currently insufficient to determine the role of this variant in disease. Therefore, it has been classified as a Variant of Uncertain Significance.

Fulgent Genetics
Classification: Uncertain significance for COG4-congenital disorder of glycosylation; Microcephalic osteodysplastic dysplasia, Saul-Wilson type. Last evaluated: 2024-01-17. Review status: criteria provided, single submitter. Criteria: ACMG Guidelines, 2015. Collection method: clinical testing. Allele origin: germline.

GeneDx
Classification: Uncertain significance. Last evaluated: 2023-12-05. Review status: criteria provided, single submitter. Criteria: GeneDx Variant Classification Process June 2021. Collection method: clinical testing. Allele origin: germline. Affected: yes.
Comment: In silico analysis supports that this missense variant does not alter protein structure/function; Has not been previously published as pathogenic or benign to our knowledge

CeGaT Center for Human Genetics Tuebingen
Classification: Likely benign. Last evaluated: 2022-07-01. Review status: criteria provided, single submitter. Criteria: CeGaT Center For Human Genetics Tuebingen Variant Classification Criteria Version 2. Collection method: clinical testing. Allele origin: germline. Affected: yes. Observed: 1 variant allele.
Comment: COG4: BP4